The following is an entry in ClinVar:

NM_003239.5(TGFB3):c.431C>A (p.Thr144Asn)

Gene: TGFB3 (transforming growth factor beta 3; minus strand). Cytogenetic location: 14q24.3.
Variant type: single nucleotide variant.
Coding change: c.431C>A on transcript NM_003239.5 (MANE Select); coding-DNA position 431, C replaced by A.
Protein change: p.Thr144Asn; replaces threonine 144 with asparagine.
Molecular consequence: missense variant.
Genome position (GRCh38, 1-based): chr14:75,971,640, G>T on the plus strand (C>A on the coding strand, the complement: TGFB3 is on the minus strand). VCF-style: chr14-75971640-G-T. GRCh37 (hg19) VCF-style: chr14-76437983-G-T.
Other names: c.431C>A, p.Thr144Asn (NM_001329938.2, NM_001329939.2); c.431C>A (NM_003239.2); short protein forms T144N.
Identifiers: ClinVar variation 657818 (VCV000657818.11), dbSNP rs1594788076, ClinGen allele CA390470113.

ClinVar aggregate classification (germline): Uncertain significance. Review status: criteria provided, multiple submitters, no conflicts (2 of 4 stars). 2 submissions from 2 submitters: Uncertain significance (2). Last evaluated 2025-10-26.

Conditions:
Rienhoff syndrome. Also called: LOEYS-DIETZ SYNDROME 5. Identifiers: MedGen C3810012, MONDO:0014262, OMIM 615582.
Familial thoracic aortic aneurysm and aortic dissection (TAAD). Also called: Thoracic aortic aneurysms and dissections. Identifiers: Orphanet 91387, MedGen C4707243, MONDO:0019625.

gnomAD v4.1: 1 of 1,614,236 alleles (0.000062%); no homozygotes.

Submissions (2):

Labcorp Genetics (formerly Invitae), Labcorp
Classification: Uncertain significance for Rienhoff syndrome. Last evaluated: 2025-10-26. Review status: criteria provided, single submitter. Criteria: Invitae Variant Classification Sherloc (09022015). Collection method: clinical testing. Allele origin: germline.
Comment: This sequence change replaces threonine, which is neutral and polar, with asparagine, which is neutral and polar, at codon 144 of the TGFB3 protein (p.Thr144Asn). This variant is not present in population databases (gnomAD no frequency). This variant has not been reported in the literature in individuals affected with TGFB3-related conditions. ClinVar contains an entry for this variant (Variation ID: 657818). Invitae Evidence Modeling of protein sequence and biophysical properties (such as structural, functional, and spatial information, amino acid conservation, physicochemical variation, residue mobility, and thermodynamic stability) indicates that this missense variant is not expected to disrupt TGFB3 protein function with a negative predictive value of 80%. In summary, the available evidence is currently insufficient to determine the role of this variant in disease. Therefore, it has been classified as a Variant of Uncertain Significance.

Ambry Genetics
Classification: Uncertain significance for Familial thoracic aortic aneurysm and aortic dissection. Last evaluated: 2023-01-22. Review status: criteria provided, single submitter. Criteria: Ambry Variant Classification Scheme 2023. Collection method: clinical testing. Allele origin: germline.
Comment: The p.T144N variant (also known as c.431C>A), located in coding exon 2 of the TGFB3 gene, results from a C to A substitution at nucleotide position 431. The threonine at codon 144 is replaced by asparagine, an amino acid with similar properties. This amino acid position is conserved. In addition, this alteration is predicted to be tolerated by in silico analysis. Since supporting evidence is limited at this time, the clinical significance of this alteration remains unclear.